The following is an entry in ClinVar:

ClinVar aggregate classification (germline): Uncertain significance (1 of 4 stars; one submission).

Conditions:
Hereditary cancer-predisposing syndrome. Also called: Hereditary neoplastic syndrome; Neoplastic Syndromes, Hereditary; Tumor predisposition; Hereditary Cancer Syndrome. Identifiers: Orphanet 140162, MedGen C0027672, MeSH D009386, MONDO:0015356.

Submission:

Ambry Genetics
Classification: Uncertain significance for Hereditary cancer-predisposing syndrome. Last evaluated: 2025-08-27. Review status: criteria provided, single submitter. Criteria: Ambry Variant Classification Scheme 2023. Collection method: clinical testing. Allele origin: germline.
Comment: The p.Q267H variant (also known as c.801G>C), located in coding exon 10 of the MUTYH gene, results from a G to C substitution at nucleotide position 801. The glutamine at codon 267 is replaced by histidine, an amino acid with highly similar properties. This amino acid position is conserved. In addition, the in silico prediction for this alteration is inconclusive. Based on the available evidence, the clinical significance of this variant remains unclear.

NM_001048174.2(MUTYH):c.717G>C (p.Gln239His)

Gene: MUTYH (mutY DNA glycosylase; minus strand). Cytogenetic location: 1p34.1.
Variant type: single nucleotide variant.
Coding change: c.717G>C on transcript NM_001048174.2 (MANE Select); coding-DNA position 717, G replaced by C.
Protein change: p.Gln239His; replaces glutamine 239 with histidine.
Molecular consequence: missense variant. On other transcripts: non-coding transcript variant (7).
Genome position (GRCh38, 1-based): chr1:45,332,298, C>G on the plus strand (G>C on the coding strand, the complement: MUTYH is on the minus strand). VCF-style: chr1-45332298-C-G. GRCh37 (hg19) VCF-style: chr1-45797970-C-G.
Other names: c.717G>C, p.Gln239His (NM_001048171.2, NM_001048173.2, NM_001407070.1 and 6 more transcripts); c.720G>C, p.Gln240His (NM_001048172.2, NM_001407071.1, NM_001407078.1 and 1 more transcripts); c.633G>C, p.Gln211His (NM_001407075.1); c.750G>C, p.Gln250His (NM_001407077.1, NM_001293191.2, NM_001407069.1); c.678G>C, p.Gln226His (NM_001407079.1); c.675G>C, p.Gln225His (NM_001407080.1); c.801G>C, p.Gln267His (NM_001128425.2); c.762G>C, p.Gln254His (NM_001293190.2); and 5 more; short protein forms Q124H, Q226H, Q253H, Q147H, Q225H, Q239H, Q250H, Q211H.
Identifiers: ClinVar variation 4113850 (VCV004113850.1).
Genomic context (GRCh38, chr1:45,332,298, plus strand): 5'-GGCCCCTAGCTCCATGGCTGCTTGGTTGAAATCTCCTGGCCGGGCTGGGTCCACCAGCTG[C>G]TGGGCTAGACCCCTAAAAGAAGGGAACACTGCTGTGAAGCAGAGCTCCTTTGCAGACACC-3'
Protein context (NP_001041639.1, residues 229-249): LVSQQLWGLA[Gln239His]QLVDPARPGD